The following is an entry in ClinVar:

ClinVar aggregate classification (germline): Uncertain significance (1 of 4 stars; one submission).

Conditions:
Inborn genetic diseases. Identifiers: MedGen C0950123, MeSH D030342.

Submission:

Ambry Genetics
Classification: Uncertain significance for Inborn genetic diseases. Last evaluated: 2021-01-11. Review status: criteria provided, single submitter. Criteria: Ambry Variant Classification Scheme 2023. Collection method: clinical testing. Allele origin: germline.
Comment: The c.134C>G (p.A45G) alteration is located in exon 1 (coding exon 1) of the APOPT1 gene. This alteration results from a C to G substitution at nucleotide position 134, causing the alanine (A) at amino acid position 45 to be replaced by a glycine (G). The p.A45G alteration is predicted to be tolerated by in silico analysis. Based on insufficient or conflicting evidence, the clinical significance of this alteration remains unclear.

NM_001370595.2(COA8):c.95C>G (p.Ala32Gly)

Gene: COA8 (cytochrome c oxidase assembly factor 8; plus strand). Cytogenetic location: 14q32.33.
Variant type: single nucleotide variant.
Coding change: c.95C>G on transcript NM_001370595.2 (MANE Select); coding-DNA position 95, C replaced by G.
Protein change: p.Ala32Gly; replaces alanine 32 with glycine.
Molecular consequence: missense variant. On other transcripts: non-coding transcript variant (2).
Genome position (GRCh38, 1-based): chr14:103,563,096, C>G. VCF-style: chr14-103563096-C-G. GRCh37 (hg19) VCF-style: chr14-104029433-C-G.
Other names: c.134C>G (NM_032374.3); c.95C>G, p.Ala32Gly (NM_001302653.2, NM_001302654.2); short protein forms A32G.
Identifiers: ClinVar variation 3146994 (VCV003146994.1), dbSNP rs2142268272, ClinGen allele CA391111393.